The following is an entry in ClinVar:

NM_003803.4(MYOM1):c.289G>A (p.Gly97Arg)

Gene: MYOM1 (myomesin 1; minus strand). Cytogenetic location: 18p11.31.
Variant type: single nucleotide variant.
Coding change: c.289G>A on transcript NM_003803.4 (MANE Select); coding-DNA position 289, G replaced by A.
Protein change: p.Gly97Arg; replaces glycine 97 with arginine.
Molecular consequence: missense variant.
Genome position (GRCh38, 1-based): chr18:3,214,935, C>T on the plus strand (G>A on the coding strand, the complement: MYOM1 is on the minus strand). VCF-style: chr18-3214935-C-T. GRCh37 (hg19) VCF-style: chr18-3214933-C-T.
Other names: c.289G>A, p.Gly97Arg (NM_019856.2); short protein forms G97R.
Identifiers: ClinVar variation 3877146 (VCV003877146.1).

ClinVar aggregate classification (germline): Uncertain significance (1 of 4 stars; one submission).

gnomAD v4.1: 2 of 1,593,012 alleles (0.00013%); highest among the groups gnomAD compares: African/African-American, 0.0027%; no homozygotes.

Submission:

Ambry Genetics
Classification: Uncertain significance. Last evaluated: 2025-02-09. Review status: criteria provided, single submitter. Criteria: Ambry Variant Classification Scheme 2023. Collection method: clinical testing. Allele origin: germline.
Comment: The p.G97R variant (also known as c.289G>A), located in coding exon 1 of the MYOM1 gene, results from a G to A substitution at nucleotide position 289. The glycine at codon 97 is replaced by arginine, an amino acid with dissimilar properties. This amino acid position is conserved. In addition, this alteration is predicted to be tolerated by in silico analysis. Based on the available evidence, the clinical significance of this variant remains unclear.